The following is an entry in ClinVar:

ClinVar aggregate classification (germline): Pathogenic (1 of 4 stars; one submission).

Conditions:
Severe intellectual disability-poor language-strabismus-grimacing face-long fingers syndrome (GAND). Also called: GAND SYNDROME. Identifiers: Orphanet 363686, MedGen C3554448, MONDO:0014034, OMIM 615074.

Submission:

Plataforma de Genómica Funcional - SJD, Institut De Recerca Sant Joan De Déu
Classification: Pathogenic for Severe intellectual disability-poor language-strabismus-grimacing face-long fingers syndrome. Last evaluated: 2025-06-03. Review status: criteria provided, single submitter. Criteria: ACMG Guidelines, 2015. Collection method: clinical testing. Allele origin: de novo. Affected: yes.
Comment: The c.1216+2T>C variant (NM_020699.2) in GATAD2B is a splicing variant predicted to cause a sequence change that affects the donor splice site. Variants altering the splice site typically lead to a loss of protein function. The variant skips biologically-relevant-exon 6/10, resulting in a frameshift and leading to nonsense mediated decay in a gene in which loss-of-function is an established disease mechanism (PVS1). This prediction is confirmed by Mini-gene analysis conducted at the Neurogenetics and Molecular Medicine Laboratory (PS3, PMID: 33223419). This variant is absent from population databases (gnomAD v2.1; PM2_Supporting). This variant has been identified as a de novo with confirmed parental relationships in 1 individual with dysmorphic features and intellectual disability (PS2; PMID: 33223419, Internal lab contributor). In summary, this variant meets the criteria to be classified as Pathogenic based on the ACMG/AMP criteria applied.

NM_020699.4(GATAD2B):c.1216+2T>C

Gene: GATAD2B (GATA zinc finger domain containing 2B; minus strand). Cytogenetic location: 1q21.3.
Variant type: single nucleotide variant.
Coding change: c.1216+2T>C on transcript NM_020699.4 (MANE Select); the canonical splice donor site of the intron after coding-DNA position 1216, T replaced by C.
Molecular consequence: splice donor variant.
Genome position (GRCh38, 1-based): chr1:153,816,271, A>G on the plus strand (T>C on the coding strand, the complement: GATAD2B is on the minus strand). VCF-style: chr1-153816271-A-G. GRCh37 (hg19) VCF-style: chr1-153788747-A-G.
Identifiers: ClinVar variation 3901121 (VCV003901121.2).